The following is an entry in ClinVar:

ClinVar aggregate classification (germline): Uncertain significance (1 of 4 stars; one submission).

Conditions:
Werner syndrome (WRN). Identifiers: Orphanet 902, MedGen C0043119, MONDO:0010196, OMIM 277700.

Submission:

Labcorp Genetics (formerly Invitae), Labcorp
Classification: Uncertain significance for Werner syndrome. Last evaluated: 2021-08-23. Review status: criteria provided, single submitter. Criteria: Invitae Variant Classification Sherloc (09022015). Collection method: clinical testing. Allele origin: germline.
Comment: This sequence change replaces lysine with arginine at codon 1419 of the WRN protein (p.Lys1419Arg). The lysine residue is weakly conserved and there is a small physicochemical difference between lysine and arginine. This variant is not present in population databases (ExAC no frequency). This variant has not been reported in the literature in individuals affected with WRN-related conditions. Algorithms developed to predict the effect of missense changes on protein structure and function output the following: SIFT: "Not Available"; PolyPhen-2: "Benign"; Align-GVGD: "Not Available". The arginine amino acid residue is found in multiple mammalian species, which suggests that this missense change does not adversely affect protein function. In summary, the available evidence is currently insufficient to determine the role of this variant in disease. Therefore, it has been classified as a Variant of Uncertain Significance.

NM_000553.6(WRN):c.4256A>G (p.Lys1419Arg)

Genes: WRN (WRN RecQ like helicase; plus strand), LOC126860342 (MED14-independent group 3 enhancer GRCh37_chr8:31029565-31030764; plus strand). Cytogenetic location: 8p12.
Variant type: single nucleotide variant.
Coding change: c.4256A>G on transcript NM_000553.6 (MANE Select); coding-DNA position 4256, A replaced by G.
Protein change: p.Lys1419Arg; replaces lysine 1419 with arginine.
Molecular consequence: missense variant.
Genome position (GRCh38, 1-based): chr8:31,173,059, A>G. VCF-style: chr8-31173059-A-G. GRCh37 (hg19) VCF-style: chr8-31030575-A-G.
Other names: short protein forms K1419R.
Identifiers: ClinVar variation 1489627 (VCV001489627.6), dbSNP rs771261660, ClinGen allele CA370911785.